The following is an entry in ClinVar:

ClinVar aggregate classification (germline): Likely benign (0 of 4 stars; one submission).

Conditions:
DROSHA-related disorder. Also called: DROSHA-related condition.

Allele frequency attached by ClinVar (database versions not stated): gnomAD 0.00002; gnomAD exomes 0.00002; ExAC 0.00006; ESP Exome Variant Server 0.00008.
gnomAD v4.1: 35 of 1,613,168 alleles (0.0022%); highest among the groups gnomAD compares: Admixed American, 0.022%; no homozygotes.

Submission:

PreventionGenetics, part of Exact Sciences
Classification: Likely benign for DROSHA-related condition. Last evaluated: 2022-02-17. Review status: no assertion criteria provided. Collection method: clinical testing. Allele origin: germline.
Comment: This variant is classified as likely benign based on ACMG/AMP sequence variant interpretation guidelines (Richards et al. 2015 PMID: 25741868, with internal and published modifications).

NM_001382508.1(DROSHA):c.3654G>A (p.Ala1218=)

Gene: DROSHA (drosha ribonuclease III; minus strand). Cytogenetic location: 5p13.3.
Variant type: single nucleotide variant.
Coding change: c.3654G>A on transcript NM_001382508.1 (MANE Select); coding-DNA position 3654, G replaced by A.
Protein change: p.Ala1218=; no amino-acid change (alanine 1218 retained).
Molecular consequence: synonymous variant.
Genome position (GRCh38, 1-based): chr5:31,410,759, C>T on the plus strand (G>A on the coding strand, the complement: DROSHA is on the minus strand). VCF-style: chr5-31410759-C-T. GRCh37 (hg19) VCF-style: chr5-31410866-C-T.
Other names: c.3543G>A, p.Ala1181= (NM_001100412.2); c.3654G>A, p.Ala1218= (NM_013235.5).
Identifiers: ClinVar variation 3047097 (VCV003047097.2), dbSNP rs372814914, ClinGen allele CA3217163.
Genomic context (GRCh38, chr5:31,410,759, plus strand): 5'-CTTAAACTCTGAACCTGGAGGTTGAGAGAAAAGTGTGTGGCACTCACATTCCAAAAGGTC[C>T]GCCAAGGTCTTGGTGCGAAGCGCCACAGGCCTCTTGGTCTTGTCGTTGGTTATGGCGTAC-3'
Protein context (NP_001369437.1, residues 1208-1228): RPVALRTKTL[Ala1218=]DLLESFIAAL